The following is an entry in ClinVar:

NM_001134407.3(GRIN2A):c.1831C>A (p.Leu611Met)

Gene: GRIN2A (glutamate ionotropic receptor NMDA type subunit 2A; minus strand). Cytogenetic location: 16p13.2.
Variant type: single nucleotide variant.
Coding change: c.1831C>A on transcript NM_001134407.3 (MANE Select); coding-DNA position 1831, C replaced by A.
Protein change: p.Leu611Met; replaces leucine 611 with methionine.
Molecular consequence: missense variant.
Genome position (GRCh38, 1-based): chr16:9,829,599, G>T on the plus strand (C>A on the coding strand, the complement: GRIN2A is on the minus strand). VCF-style: chr16-9829599-G-T. GRCh37 (hg19) VCF-style: chr16-9923456-G-T.
Other names: c.1831C>A, p.Leu611Met (NM_000833.5, NM_001134408.2); short protein forms L611M.
Identifiers: ClinVar variation 1453886 (VCV001453886.8), dbSNP rs2141312814, ClinGen allele CA394799744.

ClinVar aggregate classification (germline): Pathogenic (1 of 4 stars; one submission).

Conditions:
Landau-Kleffner syndrome (FESD). Also called: EPILEPSY, FOCAL, WITH SPEECH DISORDER AND WITH OR WITHOUT MENTAL RETARDATION; APHASIA, ACQUIRED, WITH EPILEPSY. Identifiers: Orphanet 1945, Orphanet 725, Orphanet 98818, MedGen C0282512, MONDO:0009509, OMIM 245570.

Submission:

Labcorp Genetics (formerly Invitae), Labcorp
Classification: Pathogenic for Landau-Kleffner syndrome. Last evaluated: 2021-02-03. Review status: criteria provided, single submitter. Criteria: Invitae Variant Classification Sherloc (09022015). Collection method: clinical testing. Allele origin: germline.
Comment: This sequence change replaces leucine with methionine at codon 611 of the GRIN2A protein (p.Leu611Met). The leucine residue is highly conserved and there is a small physicochemical difference between leucine and methionine. This variant is not present in population databases (ExAC no frequency). This variant has been observed in individual(s) with clinical features of developmental and epileptic encephalopathy (Invitae). In at least one individual the variant was observed to be de novo. Advanced modeling of protein sequence and biophysical properties (such as structural, functional, and spatial information, amino acid conservation, physicochemical variation, residue mobility, and thermodynamic stability) performed at Invitae indicates that this missense variant is not expected to disrupt GRIN2A protein function. This variant disrupts the p.Leu611 amino acid residue in GRIN2A. Other variant(s) that disrupt this residue have been determined to be pathogenic (PMID: 31429998, 30544257). This suggests that this residue is clinically significant, and that variants that disrupt this residue are likely to be disease-causing. For these reasons, this variant has been classified as Pathogenic.

Literature cited by the submitters: PubMed 31429998; PubMed 30544257.